The following is an entry in ClinVar:

ClinVar aggregate classification (germline): Uncertain significance (1 of 4 stars; one submission).

Conditions:
PLXNA1-related disorder. Also called: PLXNA1-related condition.

gnomAD v4.1: 12 of 1,597,456 alleles (0.00075%); highest among the groups gnomAD compares: East Asian, 0.0046%; no homozygotes.

Submission:

PreventionGenetics, part of Exact Sciences
Classification: Uncertain significance for PLXNA1-related condition. Last evaluated: 2025-07-14. Review status: criteria provided, single submitter. Criteria: ACMG Guidelines, 2015. Collection method: clinical testing. Allele origin: germline.
Comment: The PLXNA1 c.3664C>T variant is predicted to result in the amino acid substitution p.Arg1222Trp. To our knowledge, this variant has not been reported in the literature. This variant is reported in 0.0070% of alleles in individuals of South Asian descent in gnomAD. At this time, the clinical significance of this variant is uncertain due to the absence of conclusive functional and genetic evidence.

NM_032242.4(PLXNA1):c.3664C>T (p.Arg1222Trp)

Gene: PLXNA1 (plexin A1; plus strand). Cytogenetic location: 3q21.3.
Variant type: single nucleotide variant.
Coding change: c.3664C>T on transcript NM_032242.4 (MANE Select); coding-DNA position 3664, C replaced by T.
Protein change: p.Arg1222Trp; replaces arginine 1222 with tryptophan.
Molecular consequence: missense variant.
Genome position (GRCh38, 1-based): chr3:127,018,297, C>T. VCF-style: chr3-127018297-C-T. GRCh37 (hg19) VCF-style: chr3-126737140-C-T.
Other names: short protein forms R1222W.
Identifiers: ClinVar variation 4990293 (VCV004990293.1).